The following is an entry in ClinVar:

ClinVar aggregate classification (germline): Benign. Review status: criteria provided, multiple submitters, no conflicts (2 of 4 stars). 3 submissions from 3 submitters: Benign (3). Last evaluated 2025-12-22.

Conditions:
Hyperthyroxinemia, familial dysalbuminemic (FDAH). Also called: EUTHYROID HYPERTHYROXINEMIA 1. Identifiers: MedGen C0342185, MONDO:0014448, OMIM 615999.

Allele frequency attached by ClinVar (database versions not stated): TOPMed 0.01337; gnomAD 0.01342 and 0.01379; 1000 Genomes Project 30x 0.00578; 1000 Genomes Project 0.00579; gnomAD exomes 0.01179 and 0.01967; ExAC 0.01236; ESP Exome Variant Server 0.01607.
gnomAD v4.1: 30,575 of 1,613,178 alleles (1.9%); highest among the groups gnomAD compares: Non-Finnish European, 2.4%; 357 homozygotes.

Submissions (3):

Labcorp Genetics (formerly Invitae), Labcorp
Classification: Benign. Last evaluated: 2025-12-22. Review status: criteria provided, single submitter. Criteria: Invitae Variant Classification Sherloc (09022015). Collection method: clinical testing. Allele origin: germline.

Illumina Laboratory Services, Illumina
Classification: Benign for Hyperthyroxinemia, familial dysalbuminemic. Last evaluated: 2018-01-12. Review status: criteria provided, single submitter. Criteria: ICSL Variant Classification Criteria 13 December 2019. Collection method: clinical testing. Allele origin: germline.
Comment: This variant was observed in the ICSL laboratory as part of a predisposition screen in an ostensibly healthy population. It had not been previously curated by ICSL or reported in the Human Gene Mutation Database (HGMD: prior to June 1st, 2018), and was therefore a candidate for classification through an automated scoring system. Utilizing variant allele frequency, disease prevalence and penetrance estimates, and inheritance mode, an automated score was calculated to assess if this variant is too frequent to cause the disease. Based on the score and internal cut-off values, a variant classified as benign is not then subjected to further curation. The score for this variant resulted in a classification of benign for this disease.

Breakthrough Genomics
Classification: Benign. Review status: criteria provided, single submitter. Criteria: ACMG Guidelines, 2015. Collection method: not provided. Allele origin: germline. Inheritance: Autosomal recessive inheritance. Affected: yes.

NM_000477.7(ALB):c.271-8C>T

Gene: ALB (albumin; plus strand). Cytogenetic location: 4q13.3.
Variant type: single nucleotide variant.
Coding change: c.271-8C>T on transcript NM_000477.7 (MANE Select); 8 bases into the intron before coding-DNA position 271, C replaced by T.
Molecular consequence: intron variant.
Genome position (GRCh38, 1-based): chr4:73,408,586, C>T. VCF-style: chr4-73408586-C-T. GRCh37 (hg19) VCF-style: chr4-74274303-C-T.
Identifiers: ClinVar variation 349617 (VCV000349617.13), dbSNP rs55888080, ClinGen allele CA2959334.